The following is an entry in ClinVar:

ClinVar aggregate classification (germline): Likely benign. Review status: criteria provided, multiple submitters, no conflicts (2 of 4 stars). 2 submissions from 2 submitters: Likely benign (2). Last evaluated 2022-08-23.

Allele frequency attached by ClinVar (database versions not stated): gnomAD exomes 0.00001; TOPMed 0.00001; gnomAD 0.00001.
gnomAD v4.1: 11 of 1,613,784 alleles (0.00068%); highest among the groups gnomAD compares: Middle Eastern, 0.033%; no homozygotes.

Submissions (2):

Labcorp Genetics (formerly Invitae), Labcorp
Classification: Likely benign. Last evaluated: 2022-08-23. Review status: criteria provided, single submitter. Criteria: Invitae Variant Classification Sherloc (09022015). Collection method: clinical testing. Allele origin: germline.

CeGaT Center for Human Genetics Tuebingen
Classification: Likely benign. Last evaluated: 2022-07-01. Review status: criteria provided, single submitter. Criteria: CeGaT Center For Human Genetics Tuebingen Variant Classification Criteria Version 2. Collection method: clinical testing. Allele origin: germline. Affected: yes. Observed: 1 variant allele.
Comment: KIF11: BP4, BP7

NM_004523.4(KIF11):c.645A>G (p.Glu215=)

Gene: KIF11 (kinesin family member 11; plus strand). Cytogenetic location: 10q23.33.
Variant type: single nucleotide variant.
Coding change: c.645A>G on transcript NM_004523.4 (MANE Select); coding-DNA position 645, A replaced by G.
Protein change: p.Glu215=; no amino-acid change (glutamic acid 215 retained).
Molecular consequence: synonymous variant.
Genome position (GRCh38, 1-based): chr10:92,609,456, A>G. VCF-style: chr10-92609456-A-G. GRCh37 (hg19) VCF-style: chr10-94369213-A-G.
Identifiers: ClinVar variation 1566119 (VCV001566119.31), dbSNP rs1249553664, ClinGen allele CA470783220.
Genomic context (GRCh38, chr10:92,609,456, plus strand): 5'-AATTAAAGGTTTAGAAGAAATTACAGTACACAACAAGGATGAAGTCTATCAAATTTTAGA[A>G]AAGGGGGCAGCAAAAAGGACAACTGCAGCTACTCTGATGAATGCATACTCTAGGTAAGAA-3'
Protein context (NP_004514.2, residues 205-225): HNKDEVYQIL[Glu215=]KGAAKRTTAA